The following is an entry in ClinVar:

NM_001364905.1(LRBA):c.1888C>T (p.Pro630Ser)

Gene: LRBA (LPS responsive beige-like anchor protein; minus strand). Cytogenetic location: 4q31.3.
Variant type: single nucleotide variant.
Coding change: c.1888C>T on transcript NM_001364905.1 (MANE Select); coding-DNA position 1888, C replaced by T.
Protein change: p.Pro630Ser; replaces proline 630 with serine.
Molecular consequence: missense variant.
Genome position (GRCh38, 1-based): chr4:150,900,085, G>A on the plus strand (C>T on the coding strand, the complement: LRBA is on the minus strand). VCF-style: chr4-150900085-G-A. GRCh37 (hg19) VCF-style: chr4-151821237-G-A.
Other names: c.1888C>T, p.Pro630Ser (NM_001199282.3, NM_001367550.1, NM_006726.5); short protein forms P630S.
Identifiers: ClinVar variation 1501178 (VCV001501178.9), dbSNP rs749692529, ClinGen allele CA3103452.

ClinVar aggregate classification (germline): Uncertain significance. Review status: criteria provided, multiple submitters, no conflicts (2 of 4 stars). 2 submissions from 2 submitters: Uncertain significance (2). Last evaluated 2025-08-12.

Conditions:
Combined immunodeficiency due to LRBA deficiency. Also called: Common variable immunodeficiency 8, with autoimmunity. Identifiers: Orphanet 445018, MedGen C3553512, MONDO:0013863, OMIM 614700.
Inborn genetic diseases. Identifiers: MedGen C0950123, MeSH D030342.

Submissions (2):

Ambry Genetics
Classification: Uncertain significance for Inborn genetic diseases. Last evaluated: 2025-08-12. Review status: criteria provided, single submitter. Criteria: Ambry Variant Classification Scheme 2023. Collection method: clinical testing. Allele origin: germline.

Labcorp Genetics (formerly Invitae), Labcorp
Classification: Uncertain significance for Combined immunodeficiency due to LRBA deficiency. Last evaluated: 2021-06-04. Review status: criteria provided, single submitter. Criteria: Invitae Variant Classification Sherloc (09022015). Collection method: clinical testing. Allele origin: germline.
Comment: In summary, the available evidence is currently insufficient to determine the role of this variant in disease. Therefore, it has been classified as a Variant of Uncertain Significance. This sequence change replaces proline with serine at codon 630 of the LRBA protein (p.Pro630Ser). The proline residue is moderately conserved and there is a moderate physicochemical difference between proline and serine. This variant is present in population databases (rs749692529, ExAC 0.01%). This variant has not been reported in the literature in individuals with LRBA-related conditions. Algorithms developed to predict the effect of missense changes on protein structure and function are either unavailable or do not agree on the potential impact of this missense change (SIFT: "Tolerated"; PolyPhen-2: "Probably Damaging"; Align-GVGD: "Class C0").